The following is an entry in ClinVar:

ClinVar aggregate classification (germline): Uncertain significance. Review status: criteria provided, multiple submitters, no conflicts (2 of 4 stars). 2 submissions from 2 submitters: Uncertain significance (2). Last evaluated 2023-12-09.

Conditions:
Inborn genetic diseases. Identifiers: MedGen C0950123, MeSH D030342.

Allele frequency attached by ClinVar (database versions not stated): gnomAD exomes below 0.00001.
gnomAD v4.1: 1 of 1,614,040 alleles (0.000062%); highest among the groups gnomAD compares: Non-Finnish European, 0.000085%; no homozygotes.

Submissions (2):

Labcorp Genetics (formerly Invitae), Labcorp
Classification: Uncertain significance. Last evaluated: 2023-12-09. Review status: criteria provided, single submitter. Criteria: Invitae Variant Classification Sherloc (09022015). Collection method: clinical testing. Allele origin: germline.
Comment: This sequence change replaces glycine, which is neutral and non-polar, with arginine, which is basic and polar, at codon 648 of the EPAS1 protein (p.Gly648Arg). This variant is not present in population databases (gnomAD no frequency). This variant has not been reported in the literature in individuals affected with EPAS1-related conditions. ClinVar contains an entry for this variant (Variation ID: 2565038). Algorithms developed to predict the effect of missense changes on protein structure and function output the following: SIFT: "Not Available"; PolyPhen-2: "Benign"; Align-GVGD: "Not Available". The arginine amino acid residue is found in multiple mammalian species, which suggests that this missense change does not adversely affect protein function. In summary, the available evidence is currently insufficient to determine the role of this variant in disease. Therefore, it has been classified as a Variant of Uncertain Significance.

Ambry Genetics
Classification: Uncertain significance for Inborn genetic diseases. Last evaluated: 2023-03-22. Review status: criteria provided, single submitter. Criteria: Ambry Variant Classification Scheme 2023. Collection method: clinical testing. Allele origin: germline.
Comment: The p.G648R variant (also known as c.1942G>A), located in coding exon 12 of the EPAS1 gene, results from a G to A substitution at nucleotide position 1942. The glycine at codon 648 is replaced by arginine, an amino acid with dissimilar properties. This amino acid position is conserved. In addition, this alteration is predicted to be tolerated by in silico analysis. Since supporting evidence is limited at this time, the clinical significance of this alteration remains unclear.

NM_001430.5(EPAS1):c.1942G>A (p.Gly648Arg)

Gene: EPAS1 (endothelial PAS domain protein 1; plus strand). Cytogenetic location: 2p21.
Variant type: single nucleotide variant.
Coding change: c.1942G>A on transcript NM_001430.5 (MANE Select); coding-DNA position 1942, G replaced by A.
Protein change: p.Gly648Arg; replaces glycine 648 with arginine.
Molecular consequence: missense variant.
Genome position (GRCh38, 1-based): chr2:46,380,614, G>A. VCF-style: chr2-46380614-G-A. GRCh37 (hg19) VCF-style: chr2-46607753-G-A.
Other names: short protein forms G648R.
Identifiers: ClinVar variation 2565038 (VCV002565038.5), dbSNP rs2546477701, ClinGen allele CA346705204.
Genomic context (GRCh38, chr2:46,380,614, plus strand): 5'-CTCTCTTCCATGGGGGGCAGATCCAATACCCAGTGGCCCCCAGATCCACCATTACATTTT[G>A]GGCCCACAAAGTGGGCCGTCGGGGATCAGCGCACAGAGTTCTTGGGAGCAGCGCCGTTGG-3'
Protein context (NP_001421.2, residues 638-658): QWPPDPPLHF[Gly648Arg]PTKWAVGDQR